The following is an entry in ClinVar:

ClinVar aggregate classification (germline): Uncertain significance (1 of 4 stars; one submission).

Conditions:
MEGF10-related myopathy (CMYO10A). Also called: Congenital myopathy 10A, severe variant. Identifiers: Orphanet 439212, MedGen C3280679, MONDO:0013731, OMIM 614399.

Allele frequency attached by ClinVar (database versions not stated): gnomAD exomes 0.00001.
gnomAD v4.1: 4 of 1,611,980 alleles (0.00025%); highest among the groups gnomAD compares: Admixed American, 0.0067%; no homozygotes.

Submission:

Labcorp Genetics (formerly Invitae), Labcorp
Classification: Uncertain significance for MEGF10-related myopathy. Last evaluated: 2022-03-08. Review status: criteria provided, single submitter. Criteria: Invitae Variant Classification Sherloc (09022015). Collection method: clinical testing. Allele origin: germline.
Comment: This sequence change replaces serine, which is neutral and polar, with arginine, which is basic and polar, at codon 1082 of the MEGF10 protein (p.Ser1082Arg). This variant is present in population databases (no rsID available, gnomAD 0.01%). This variant has not been reported in the literature in individuals affected with MEGF10-related conditions. Algorithms developed to predict the effect of missense changes on protein structure and function are either unavailable or do not agree on the potential impact of this missense change (SIFT: "Deleterious"; PolyPhen-2: "Benign"; Align-GVGD: "Class C0"). In summary, the available evidence is currently insufficient to determine the role of this variant in disease. Therefore, it has been classified as a Variant of Uncertain Significance.

NM_001256545.2(MEGF10):c.3244A>C (p.Ser1082Arg)

Gene: MEGF10 (multiple EGF like domains 10; plus strand). Cytogenetic location: 5q23.2.
Variant type: single nucleotide variant.
Coding change: c.3244A>C on transcript NM_001256545.2 (MANE Select); coding-DNA position 3244, A replaced by C.
Protein change: p.Ser1082Arg; replaces serine 1082 with arginine.
Molecular consequence: missense variant.
Genome position (GRCh38, 1-based): chr5:127,457,139, A>C. VCF-style: chr5-127457139-A-C. GRCh37 (hg19) VCF-style: chr5-126792831-A-C.
Other names: c.3244A>C, p.Ser1082Arg (NM_032446.3); short protein forms S1082R.
Identifiers: ClinVar variation 2139011 (VCV002139011.1), dbSNP rs1357140192, ClinGen allele CA360719021.
Genomic context (GRCh38, chr5:127,457,139, plus strand): 5'-TAAAAACATTTCCTTTGCTGATAAATTAATATGTCCTTGGTTATCACAGAACCTACAGTG[A>C]GTGTTGTCCAAGGAGTATTCAGCAATAATGGGCGTCTCTCCCAGGATCCATATGACCTCC-3'
Protein context (NP_001243474.1, residues 1072-1092): RNVYEVEPTV[Ser1082Arg]VVQGVFSNNG